The following is an entry in ClinVar:

NM_000038.6(APC):c.531+2093A>T

Gene: APC (APC regulator of WNT signaling pathway; plus strand). Cytogenetic location: 5q22.2.
Variant type: single nucleotide variant.
Coding change: c.531+2093A>T on transcript NM_000038.6 (MANE Select); 2093 bases into the intron after coding-DNA position 531, A replaced by T.
Molecular consequence: intron variant.
Genome position (GRCh38, 1-based): chr5:112,777,830, A>T. VCF-style: chr5-112777830-A-T. GRCh37 (hg19) VCF-style: chr5-112113527-A-T.
Other names: c.531+2093A>T (NM_001354895.2, NM_001127510.3, NM_001354896.2 and 2 more transcripts); c.561+2093A>T (NM_001354897.2, NM_001354902.2, NM_001127511.3); c.456+2093A>T (NM_001354898.2, NM_001354904.2); c.-505+2093A>T (NM_001354906.2); c.354+2093A>T (NM_001354900.2, NM_001354901.2, NM_001354905.2).
Identifiers: ClinVar variation 82924 (VCV000082924.2), dbSNP rs467033, ClinGen allele CA010146.

ClinVar aggregate classification (germline): other (0 of 4 stars; one submission).

Conditions:
Familial colorectal cancer. Identifiers: MedGen CN280943, MONDO:0023113. Disease mechanism: loss of function.

Allele frequency attached by ClinVar (database versions not stated): TOPMed 0.41125; 1000 Genomes Project 30x 0.43364; 1000 Genomes Project 0.43810; gnomAD exomes 0.47883; gnomAD 0.39399 and 0.40669.
gnomAD v4.1: 105,969 of 243,976 alleles (43%); highest among the groups gnomAD compares: East Asian, 67%; 26,495 homozygotes.

Submission:

Systems Biology Platform Zhejiang California International NanoSystems Institute
Classification: other for Familial colorectal cancer. Review status: no assertion criteria provided. Collection method: not provided. Allele origin: unknown.
ClinVar note: Converted during submission from cancer to other.